The following is an entry in ClinVar:

ClinVar aggregate classification (germline): Likely benign (0 of 4 stars; one submission).

Conditions:
BPTF-related disorder. Also called: BPTF-related condition.

Allele frequency attached by ClinVar (database versions not stated): ExAC 0.00003; ESP Exome Variant Server 0.00008.
gnomAD v4.1: 32 of 1,602,430 alleles (0.002%); highest among the groups gnomAD compares: East Asian, 0.0045%; no homozygotes.

Submission:

PreventionGenetics, part of Exact Sciences
Classification: Likely benign for BPTF-related condition. Last evaluated: 2021-04-21. Review status: no assertion criteria provided. Collection method: clinical testing. Allele origin: germline.
Comment: This variant is classified as likely benign based on ACMG/AMP sequence variant interpretation guidelines (Richards et al. 2015 PMID: 25741868, with internal and published modifications).

NM_182641.4(BPTF):c.456C>T (p.Ala152=)

Genes: BPTF (bromodomain PHD finger transcription factor; plus strand), LOC130061496 (ATAC-STARR-seq lymphoblastoid active region 12632; plus strand). Cytogenetic location: 17q24.2.
Variant type: single nucleotide variant.
Coding change: c.456C>T on transcript NM_182641.4 (MANE Select); coding-DNA position 456, C replaced by T.
Protein change: p.Ala152=; no amino-acid change (alanine 152 retained).
Molecular consequence: synonymous variant.
Genome position (GRCh38, 1-based): chr17:67,826,180, C>T. VCF-style: chr17-67826180-C-T. GRCh37 (hg19) VCF-style: chr17-65822296-C-T.
Other names: c.456C>T, p.Ala152= (NM_004459.7).
Identifiers: ClinVar variation 3032982 (VCV003032982.2), dbSNP rs148162720, ClinGen allele CA8724985.